The following is an entry in ClinVar:

NM_201596.3(CACNB2):c.1160C>T (p.Thr387Ile)

Gene: CACNB2 (calcium voltage-gated channel auxiliary subunit beta 2; plus strand). Cytogenetic location: 10p12.31.
Variant type: single nucleotide variant.
Coding change: c.1160C>T on transcript NM_201596.3 (MANE Select); coding-DNA position 1160, C replaced by T.
Protein change: p.Thr387Ile; replaces threonine 387 with isoleucine.
Molecular consequence: missense variant.
Genome position (GRCh38, 1-based): chr10:18,534,181, C>T. VCF-style: chr10-18534181-C-T. GRCh37 (hg19) VCF-style: chr10-18823110-C-T.
Other names: c.995C>T, p.Thr332Ile (NM_000724.4); c.962C>T, p.Thr321Ile (NM_001167945.2); c.881C>T, p.Thr294Ile (NM_001330060.2); c.902C>T, p.Thr301Ile (NM_001410882.1); c.1016C>T, p.Thr339Ile (NM_201570.3); c.1076C>T, p.Thr359Ile (NM_201571.4); c.1004C>T, p.Thr335Ile (NM_201572.4); c.998C>T, p.Thr333Ile (NM_201590.3); and 2 more; short protein forms T294I, T301I, T332I, T333I, T363I, T321I, T339I, T349I.
Identifiers: ClinVar variation 2048517 (VCV002048517.3), dbSNP rs1037331525, ClinGen allele CA203165521.

ClinVar aggregate classification (germline): Uncertain significance. Review status: criteria provided, multiple submitters, no conflicts (2 of 4 stars). 2 submissions from 2 submitters: Uncertain significance (2). Last evaluated 2023-12-07.

Conditions:
Brugada syndrome 4 (BRGDA4). Identifiers: Orphanet 130, MedGen C2678477, MONDO:0012743, OMIM 611876.

Allele frequency attached by ClinVar (database versions not stated): gnomAD 0.00001; gnomAD exomes 0.00001; TOPMed 0.00001.
gnomAD v4.1: 20 of 1,613,476 alleles (0.0012%); highest among the groups gnomAD compares: Non-Finnish European, 0.0016%; no homozygotes.

Submissions (2):

Blueprint Genetics
Classification: Uncertain significance. Last evaluated: 2023-12-07. Review status: criteria provided, single submitter. Criteria: ACMG Guidelines, 2015. Collection method: clinical testing. Allele origin: germline.

Labcorp Genetics (formerly Invitae), Labcorp
Classification: Uncertain significance for Brugada syndrome 4. Last evaluated: 2022-02-05. Review status: criteria provided, single submitter. Criteria: Invitae Variant Classification Sherloc (09022015). Collection method: clinical testing. Allele origin: germline.
Comment: In summary, the available evidence is currently insufficient to determine the role of this variant in disease. Therefore, it has been classified as a Variant of Uncertain Significance. Algorithms developed to predict the effect of missense changes on protein structure and function (SIFT, PolyPhen-2, Align-GVGD) all suggest that this variant is likely to be disruptive. This variant has not been reported in the literature in individuals affected with CACNB2-related conditions. The frequency data for this variant in the population databases is considered unreliable, as metrics indicate poor data quality at this position in the gnomAD database. This sequence change replaces threonine, which is neutral and polar, with isoleucine, which is neutral and non-polar, at codon 333 of the CACNB2 protein (p.Thr333Ile).